The following is an entry in ClinVar:

ClinVar aggregate classification (germline): Pathogenic (1 of 4 stars; one submission).

Conditions:
Hereditary cancer-predisposing syndrome. Also called: Hereditary Cancer Syndrome; Neoplastic Syndromes, Hereditary; Tumor predisposition; Hereditary neoplastic syndrome. Identifiers: Orphanet 140162, MedGen C0027672, MeSH D009386, MONDO:0015356.

Submission:

Ambry Genetics
Classification: Pathogenic for Hereditary cancer-predisposing syndrome. Last evaluated: 2017-11-27. Review status: criteria provided, single submitter. Criteria: Ambry Variant Classification Scheme 2023. Collection method: clinical testing. Allele origin: germline.
Comment: The c.534_535insAAAT pathogenic mutation, located in coding exon 6 of the BMPR1A gene, results from an insertion of 4 nucleotides at position 534, causing a translational frameshift with a predicted alternate stop codon (p.Y179Kfs*15). This alteration is expected to result in loss of function by premature protein truncation or nonsense-mediated mRNA decay. As such, this alteration is interpreted as a disease-causing mutation.

NM_004329.3(BMPR1A):c.534_535insAAAT (p.Tyr179fs)

Gene: BMPR1A (bone morphogenetic protein receptor type 1A; plus strand). Cytogenetic location: 10q23.2.
Variant type: Insertion.
Coding change: c.534_535insAAAT on transcript NM_004329.3 (MANE Select); coding-DNA positions 534 to 535, AAAT inserted.
Protein change: p.Tyr179fs; shifts the reading frame from tyrosine 179.
Molecular consequence: frameshift variant.
Genome position: GRCh38 VCF-style: chr10-86912241-C-CATAA. GRCh37 (hg19) VCF-style: chr10-88671998-C-CATAA.
Other names: c.609_610insAAAT, p.Tyr204Lysfs (NM_001406559.1); c.582_583insAAAT, p.Tyr195Lysfs (NM_001406560.1); c.534_535insAAAT, p.Tyr179Lysfs (NM_001406561.1, NM_001406562.1, NM_001406563.1 and 20 more transcripts); c.450_451insAAAT, p.Tyr151Lysfs (NM_001406584.1, NM_001406585.1, NM_001406586.1 and 2 more transcripts); short protein forms Y179fs.
Identifiers: ClinVar variation 1746934 (VCV001746934.2), dbSNP rs2539571683, ClinGen allele CA2580082073.